The following is an entry in ClinVar:

NM_003036.4(SKI):c.982C>G (p.Pro328Ala)

Gene: SKI (SKI proto-oncogene; plus strand). Cytogenetic location: 1p36.32.
Variant type: single nucleotide variant.
Coding change: c.982C>G on transcript NM_003036.4 (MANE Select); coding-DNA position 982, C replaced by G.
Protein change: p.Pro328Ala; replaces proline 328 with alanine.
Molecular consequence: missense variant.
Genome position (GRCh38, 1-based): chr1:2,302,990, C>G. VCF-style: chr1-2302990-C-G. GRCh37 (hg19) VCF-style: chr1-2234429-C-G.
Other names: short protein forms P328A.
Identifiers: ClinVar variation 1768336 (VCV001768336.3), dbSNP rs2100916031, ClinGen allele CA337953783.

ClinVar aggregate classification (germline): Uncertain significance. Review status: criteria provided, multiple submitters, no conflicts (2 of 4 stars). 2 submissions from 2 submitters: Uncertain significance (2). Last evaluated 2022-08-30.

Conditions:
Familial thoracic aortic aneurysm and aortic dissection (TAAD). Also called: Thoracic aortic aneurysms and dissections. Identifiers: Orphanet 91387, MedGen C4707243, MONDO:0019625.

gnomAD v4.1: 1 of 1,613,582 alleles (0.000062%); highest among the groups gnomAD compares: Non-Finnish European, 0.000085%; no homozygotes.

Submissions (2):

Ambry Genetics
Classification: Uncertain significance for Familial thoracic aortic aneurysm and aortic dissection. Last evaluated: 2022-08-30. Review status: criteria provided, single submitter. Criteria: Ambry Variant Classification Scheme 2023. Collection method: clinical testing. Allele origin: germline.
Comment: The p.P328A variant (also known as c.982C>G), located in coding exon 2 of the SKI gene, results from a C to G substitution at nucleotide position 982. The proline at codon 328 is replaced by alanine, an amino acid with highly similar properties. This amino acid position is conserved. In addition, the in silico prediction for this alteration is inconclusive. Since supporting evidence is limited at this time, the clinical significance of this alteration remains unclear.

GeneDx
Classification: Uncertain significance. Last evaluated: 2022-05-25. Review status: criteria provided, single submitter. Criteria: GeneDx Variant Classification Process June 2021. Collection method: clinical testing. Allele origin: germline. Affected: yes.
Comment: Has not been previously published as pathogenic or benign to our knowledge; Not observed at significant frequency in large population cohorts (gnomAD); In silico analysis supports that this missense variant does not alter protein structure/function